The following is an entry in ClinVar:

NM_022132.5(MCCC2):c.834G>C (p.Leu278Phe)

Gene: MCCC2 (methylcrotonyl-CoA carboxylase subunit 2; plus strand). Cytogenetic location: 5q13.2.
Variant type: single nucleotide variant.
Coding change: c.834G>C on transcript NM_022132.5 (MANE Select); coding-DNA position 834, G replaced by C.
Protein change: p.Leu278Phe; replaces leucine 278 with phenylalanine.
Molecular consequence: missense variant.
Genome position (GRCh38, 1-based): chr5:71,634,973, G>C. VCF-style: chr5-71634973-G-C. GRCh37 (hg19) VCF-style: chr5-70930800-G-C.
Other names: c.720G>C, p.Leu240Phe (NM_001363147.1); short protein forms L240F, L278F.
Identifiers: ClinVar variation 5003923 (VCV005003923.1).

ClinVar aggregate classification (germline): Uncertain significance (1 of 4 stars; one submission).

Conditions:
3-methylcrotonyl-CoA carboxylase 2 deficiency. Also called: METHYLCROTONYLGLYCINURIA, TYPE II; 3 alpha methylcrotonyl-CoA carboxylase 2 deficiency; 3 alpha methylcrotonylglycinuria 2; MCC 2 deficiency; Methylcrotonylglycinuria type 2. Identifiers: Orphanet 6, MedGen C1859499, MONDO:0008862, OMIM 210210.

gnomAD v4.1: 3 of 1,613,954 alleles (0.00019%); highest among the groups gnomAD compares: Admixed American, 0.0017%; no homozygotes.

Submission:

Myriad Genetics, Inc.
Classification: Uncertain significance for 3-methylcrotonyl-CoA carboxylase 2 deficiency. Last evaluated: 2026-05-19. Review status: criteria provided, single submitter. Criteria: Myriad Autosomal Dominant, Autosomal Recessive and X-Linked Classification Criteria (2023). Collection method: clinical testing. Allele origin: unknown.
Comment: NM_022132.4(MCCC2):c.834G>C(L278F) is a missense variant classified as a variant of uncertain significance in the context of 3-methylcrotonyl-CoA carboxylase deficiency, MCCC2-related. L278F has not been observed in cases with relevant disease. Relevant functional assessments of this variant are not available in the literature. L278F has not been observed in referenced population frequency databases. In summary, there is insufficient evidence to classify NM_022132.4(MCCC2):c.834G>C(L278F) as pathogenic or benign. Please note: this variant was assessed in the context of healthy population screening.